The following is an entry in ClinVar:

ClinVar aggregate classification (germline): Conflicting classifications of pathogenicity. Review status: criteria provided, conflicting classifications (1 of 4 stars). 2 submissions from 2 submitters: Likely pathogenic (1); Uncertain significance (1). Last evaluated 2025-10-22.

Allele frequency attached by ClinVar (database versions not stated): gnomAD exomes below 0.00001.
gnomAD v4.1: 1 of 1,614,030 alleles (0.000062%); highest among the groups gnomAD compares: Non-Finnish European, 0.000085%; no homozygotes.

Submissions (2):

Women's Health and Genetics/Laboratory Corporation of America, LabCorp
Classification: Uncertain significance. Last evaluated: 2025-10-22. Review status: criteria provided, single submitter. Criteria: LabCorp Variant Classification Summary - May 2015. Collection method: clinical testing. Allele origin: germline.
Comment: Variant summary: GJB2 c.604T>C (p.Cys202Arg) results in a non-conservative amino acid change in the encoded protein sequence. Algorithms developed to predict the effect of missense changes on protein structure and function all suggest that this variant is likely to be disruptive. The variant was absent in 251230 control chromosomes. c.604T>C has been observed in the heterozygous state in at least one individual affected with Autosomal Dominant Non-Syndromic Hearing Loss (Onsori_2014). These report(s) do not provide unequivocal conclusions about association of the variant with Autosomal Dominant Non-Syndromic Hearing Loss. To our knowledge, no experimental evidence demonstrating an impact on protein function has been reported. A different variant affecting the same codon has been classified as likely pathogenic (c.605G>T; p.Cys202Phe), supporting the critical relevance of codon 202 to GJB2 protein function. The following publication have been ascertained in the context of this evaluation (PMID: 26171365). ClinVar contains an entry for this variant (Variation ID: 2137452). Based on the evidence outlined above, the variant was classified as VUS-possibly pathogenic.

Labcorp Genetics (formerly Invitae), Labcorp
Classification: Likely pathogenic. Last evaluated: 2023-05-22. Review status: criteria provided, single submitter. Criteria: Invitae Variant Classification Sherloc (09022015). Collection method: clinical testing. Allele origin: germline.
Comment: This sequence change replaces cysteine, which is neutral and slightly polar, with arginine, which is basic and polar, at codon 202 of the GJB2 protein (p.Cys202Arg). In summary, the currently available evidence indicates that the variant is pathogenic, but additional data are needed to prove that conclusively. Therefore, this variant has been classified as Likely Pathogenic. This variant disrupts the p.Cys202 amino acid residue in GJB2. Other variant(s) that disrupt this residue have been determined to be pathogenic (PMID: 10807696, 20096356). This suggests that this residue is clinically significant, and that variants that disrupt this residue are likely to be disease-causing. Advanced modeling of protein sequence and biophysical properties (such as structural, functional, and spatial information, amino acid conservation, physicochemical variation, residue mobility, and thermodynamic stability) performed at Invitae indicates that this missense variant is expected to disrupt GJB2 protein function. ClinVar contains an entry for this variant (Variation ID: 2137452). This missense change has been observed in individual(s) with autosomal dominant deafness (PMID: 26171365). This variant is not present in population databases (gnomAD no frequency).

Literature cited by the submitters: PubMed 26171365 (cited by Women's Health and Genetics/Laboratory Corporation of America, LabCorp and Labcorp Genetics (formerly Invitae), Labcorp); PubMed 10807696 (cited by Labcorp Genetics (formerly Invitae), Labcorp); PubMed 20096356 (cited by Labcorp Genetics (formerly Invitae), Labcorp).

NM_004004.6(GJB2):c.604T>C (p.Cys202Arg)

Gene: GJB2 (gap junction protein beta 2; minus strand). Cytogenetic location: 13q12.11.
Variant type: single nucleotide variant.
Coding change: c.604T>C on transcript NM_004004.6 (MANE Select); coding-DNA position 604, T replaced by C.
Protein change: p.Cys202Arg; replaces cysteine 202 with arginine.
Molecular consequence: missense variant.
Genome position (GRCh38, 1-based): chr13:20,188,978, A>G on the plus strand (T>C on the coding strand, the complement: GJB2 is on the minus strand). VCF-style: chr13-20188978-A-G. GRCh37 (hg19) VCF-style: chr13-20763117-A-G.
Other names: short protein forms C202R.
Identifiers: ClinVar variation 2137452 (VCV002137452.5), dbSNP rs1959055512, ClinGen allele CA387460816.